The following is an entry in ClinVar:

NM_006206.6(PDGFRA):c.248C>G (p.Thr83Arg)

Gene: PDGFRA (platelet derived growth factor receptor alpha; plus strand). Cytogenetic location: 4q12.
Variant type: single nucleotide variant.
Coding change: c.248C>G on transcript NM_006206.6 (MANE Select); coding-DNA position 248, C replaced by G.
Protein change: p.Thr83Arg; replaces threonine 83 with arginine.
Molecular consequence: missense variant.
Genome position (GRCh38, 1-based): chr4:54,261,293, C>G. VCF-style: chr4-54261293-C-G. GRCh37 (hg19) VCF-style: chr4-55127460-C-G.
Other names: c.248C>G, p.Thr83Arg (NM_001347827.2, NM_001347829.2); c.323C>G, p.Thr108Arg (NM_001347828.2); c.287C>G, p.Thr96Arg (NM_001347830.2); short protein forms T108R, T83R, T96R.
Identifiers: ClinVar variation 1374610 (VCV001374610.6), dbSNP rs779332376, ClinGen allele CA356888644.

ClinVar aggregate classification (germline): Uncertain significance (1 of 4 stars; one submission).

Conditions:
Gastrointestinal stromal tumor. Also called: Gastrointestinal stroma tumor; Gastrointestinal stromal tumor, somatic. Identifiers: Orphanet 44890, MedGen C0238198, MeSH D046152, MONDO:0011719, OMIM 606764, HP:0100723.

Submission:

Labcorp Genetics (formerly Invitae), Labcorp
Classification: Uncertain significance for Gastrointestinal stromal tumor. Last evaluated: 2021-08-12. Review status: criteria provided, single submitter. Criteria: Invitae Variant Classification Sherloc (09022015). Collection method: clinical testing. Allele origin: germline.
Comment: In summary, the available evidence is currently insufficient to determine the role of this variant in disease. Therefore, it has been classified as a Variant of Uncertain Significance. Algorithms developed to predict the effect of missense changes on protein structure and function are either unavailable or do not agree on the potential impact of this missense change (SIFT: "Deleterious"; PolyPhen-2: "Benign"; Align-GVGD: "Class C0"). This variant has not been reported in the literature in individuals affected with PDGFRA-related conditions. This variant is not present in population databases (ExAC no frequency). This sequence change replaces threonine with arginine at codon 83 of the PDGFRA protein (p.Thr83Arg). The threonine residue is moderately conserved and there is a moderate physicochemical difference between threonine and arginine.